The following is an entry in ClinVar:

ClinVar aggregate classification (germline): Uncertain significance (1 of 4 stars; one submission).

Conditions:
Capillary malformation-arteriovenous malformation syndrome. Also called: Capillary malformation-arteriovenous malformation. Identifiers: Orphanet 137667, MedGen C1842180, MONDO:0012016.

Allele frequency attached by ClinVar (database versions not stated): gnomAD exomes below 0.00001.
gnomAD v4.1: 1 of 1,611,920 alleles (0.000062%); highest among the groups gnomAD compares: Middle Eastern, 0.017%; no homozygotes.

Submission:

Labcorp Genetics (formerly Invitae), Labcorp
Classification: Uncertain significance for Capillary malformation-arteriovenous malformation syndrome. Last evaluated: 2022-03-19. Review status: criteria provided, single submitter. Criteria: Invitae Variant Classification Sherloc (09022015). Collection method: clinical testing. Allele origin: germline.
Comment: In summary, the available evidence is currently insufficient to determine the role of this variant in disease. Therefore, it has been classified as a Variant of Uncertain Significance. Algorithms developed to predict the effect of missense changes on protein structure and function (SIFT, PolyPhen-2, Align-GVGD) all suggest that this variant is likely to be tolerated. ClinVar contains an entry for this variant (Variation ID: 1040429). This variant has not been reported in the literature in individuals affected with RASA1-related conditions. This variant is not present in population databases (gnomAD no frequency). This sequence change replaces asparagine, which is neutral and polar, with lysine, which is basic and polar, at codon 406 of the RASA1 protein (p.Asn406Lys).

NM_002890.3(RASA1):c.1218C>A (p.Asn406Lys)

Genes: CCNH (cyclin H; minus strand), RASA1 (RAS p21 protein activator 1; plus strand). Cytogenetic location: 5q14.3.
Variant type: single nucleotide variant.
Coding change: c.1218C>A on transcript NM_002890.3 (MANE Select); coding-DNA position 1218, C replaced by A.
Protein change: p.Asn406Lys; replaces asparagine 406 with lysine.
Molecular consequence: missense variant. On other transcripts: intron variant (1).
Genome position (GRCh38, 1-based): chr5:87,349,329, C>A. VCF-style: chr5-87349329-C-A. GRCh37 (hg19) VCF-style: chr5-86645146-C-A.
Other names: c.687C>A, p.Asn229Lys (NM_022650.3); c.934-36534G>T (NM_001364075.2); short protein forms N229K, N406K.
Identifiers: ClinVar variation 1040429 (VCV001040429.9), dbSNP rs1759092483, ClinGen allele CA360364046.